The following is an entry in ClinVar:

ClinVar aggregate classification (germline): Likely benign (1 of 4 stars; one submission).

Allele frequency attached by ClinVar (database versions not stated): 1000 Genomes Project 30x 0.00094; 1000 Genomes Project 0.00100; TOPMed 0.00174; ESP Exome Variant Server 0.00231; gnomAD exomes 0.00245; gnomAD 0.00317; ExAC 0.00328.
gnomAD v4.1: 4,043 of 1,614,150 alleles (0.25%); highest among the groups gnomAD compares: Non-Finnish European, 0.25%; 24 homozygotes.

Submission:

CeGaT Center for Human Genetics Tuebingen
Classification: Likely benign. Last evaluated: 2023-03-01. Review status: criteria provided, single submitter. Criteria: CeGaT Center For Human Genetics Tuebingen Variant Classification Criteria Version 2. Collection method: clinical testing. Allele origin: germline. Affected: yes. Observed: 1 variant allele.
Comment: PPM1E: BP4, BS2

NM_014906.5(PPM1E):c.2053C>T (p.Pro685Ser)

Genes: PPM1E (protein phosphatase, Mg2+/Mn2+ dependent 1E; plus strand), TRIM37 (tripartite motif containing 37; minus strand). Cytogenetic location: 17q22.
Variant type: single nucleotide variant.
Coding change: c.2053C>T on transcript NM_014906.5 (MANE Select); coding-DNA position 2053, C replaced by T.
Protein change: p.Pro685Ser; replaces proline 685 with serine.
Molecular consequence: missense variant. On other transcripts: non-coding transcript variant (1).
Genome position (GRCh38, 1-based): chr17:58,980,816, C>T. VCF-style: chr17-58980816-C-T. GRCh37 (hg19) VCF-style: chr17-57058177-C-T.
Other names: short protein forms P685S.
Identifiers: ClinVar variation 2647970 (VCV002647970.24), dbSNP rs150938883, ClinGen allele CA8677832.
Genomic context (GRCh38, chr17:58,980,816, plus strand): 5'-TCTAGATTGTCTCATTTACGCCACCACTACTCAAAGAAGTGGCACAGATTCAGGTTTAAT[C>T]CAAAGTTTTATTCATTTCTCTCTGCTCAAGAGCCTTCCCACAAAATAGGCACTAGCCTGT-3'
Protein context (NP_055721.3, residues 675-695): SKKWHRFRFN[Pro685Ser]KFYSFLSAQE